The following is an entry in ClinVar:

ClinVar aggregate classification (germline): Benign/Likely benign. Review status: criteria provided, multiple submitters, no conflicts (2 of 4 stars). 3 submissions from 3 submitters: Benign (1); Likely benign (2). Last evaluated 2025-04-27.

Conditions:
Hereditary cancer-predisposing syndrome. Also called: Hereditary Cancer Syndrome; Hereditary neoplastic syndrome; Neoplastic Syndromes, Hereditary; Tumor predisposition. Identifiers: Orphanet 140162, MedGen C0027672, MeSH D009386, MONDO:0015356.
Hereditary diffuse gastric adenocarcinoma (HDGC). Also called: DIFFUSE GASTRIC AND LOBULAR BREAST CANCER SYNDROME. Identifiers: Orphanet 26106, MedGen C1708349, MONDO:0007648, OMIM 137215.

Allele frequency attached by ClinVar (database versions not stated): gnomAD 0.00001; gnomAD exomes 0.00001.
gnomAD v4.1: 9 of 1,614,090 alleles (0.00056%); highest among the groups gnomAD compares: South Asian, 0.0066%; no homozygotes.

Submissions (3):

Labcorp Genetics (formerly Invitae), Labcorp
Classification: Likely benign. Last evaluated: 2025-04-27. Review status: criteria provided, single submitter. Criteria: Invitae Variant Classification Sherloc (09022015). Collection method: clinical testing. Allele origin: germline.

Myriad Genetics, Inc.
Classification: Benign for Hereditary diffuse gastric adenocarcinoma. Last evaluated: 2024-10-15. Review status: criteria provided, single submitter. Criteria: Myriad Autosomal Dominant, Autosomal Recessive and X-Linked Classification Criteria (2023). Collection method: clinical testing. Allele origin: unknown.
Comment: This variant is considered benign. This variant is a silent/synonymous amino acid change and it is not expected to impact splicing.

Ambry Genetics
Classification: Likely benign for Hereditary cancer-predisposing syndrome. Last evaluated: 2024-03-07. Review status: criteria provided, single submitter. Criteria: Ambry Variant Classification Scheme 2023. Collection method: clinical testing. Allele origin: germline.

NM_001903.5(CTNNA1):c.2338C>T (p.Leu780=)

Gene: CTNNA1 (catenin alpha 1; plus strand). Cytogenetic location: 5q31.2.
Variant type: single nucleotide variant.
Coding change: c.2338C>T on transcript NM_001903.5 (MANE Select); coding-DNA position 2338, C replaced by T.
Protein change: p.Leu780=; no amino-acid change (leucine 780 retained).
Molecular consequence: synonymous variant. On other transcripts: intron variant (1).
Genome position (GRCh38, 1-based): chr5:138,932,617, C>T. VCF-style: chr5-138932617-C-T. GRCh37 (hg19) VCF-style: chr5-138268306-C-T.
Other names: c.2338C>T, p.Leu780= (NM_001290307.3, NM_001323982.2, NM_001323983.1 and 2 more transcripts); c.2029C>T, p.Leu677= (NM_001290309.3); c.1969C>T, p.Leu657= (NM_001290310.3); c.1228C>T, p.Leu410= (NM_001290312.1, NM_001323987.1, NM_001323988.1 and 16 more transcripts); c.2245C>T, p.Leu749= (NM_001323986.2); c.889C>T, p.Leu297= (NM_001324006.1, NM_001324007.1, NM_001324008.1 and 2 more transcripts); c.1135C>T, p.Leu379= (NM_001324011.1); c.985C>T, p.Leu329= (NM_001324012.1, NM_001324013.1); and 2 more.
Identifiers: ClinVar variation 2847101 (VCV002847101.5), dbSNP rs1313676987, ClinGen allele CA446598190.